The following is an entry in ClinVar:

NM_001369268.1(ACAN):c.2026+118C>G

Gene: ACAN (aggrecan; plus strand). Cytogenetic location: 15q26.1.
Variant type: single nucleotide variant.
Coding change: c.2026+118C>G on transcript NM_001369268.1 (MANE Select); 118 bases into the intron after coding-DNA position 2026, C replaced by G.
Molecular consequence: intron variant.
Genome position (GRCh38, 1-based): chr15:88,849,849, C>G. VCF-style: chr15-88849849-C-G. GRCh37 (hg19) VCF-style: chr15-89393080-C-G.
Other names: c.2026+118C>G (NM_013227.4, NM_001411097.1, NM_001411096.1 and 1 more transcripts).
Identifiers: ClinVar variation 2582940 (VCV002582940.25), dbSNP rs117675490, ClinGen allele CA7719780.

ClinVar aggregate classification (germline): Likely benign (1 of 4 stars; one submission).

Allele frequency attached by ClinVar (database versions not stated): ExAC 0.00036; gnomAD exomes 0.00036; gnomAD 0.00038; TOPMed 0.00053; 1000 Genomes Project 30x 0.00234; 1000 Genomes Project 0.00260.
gnomAD v4.1: 502 of 1,414,390 alleles (0.035%); highest among the groups gnomAD compares: East Asian, 1.2%; 1 homozygote.

Submission:

CeGaT Center for Human Genetics Tuebingen
Classification: Likely benign. Last evaluated: 2026-06-01. Review status: criteria provided, single submitter. Criteria: CeGaT Center For Human Genetics Tuebingen Variant Classification Criteria Version 2. Collection method: clinical testing. Allele origin: germline. Affected: yes. Observed: 2 variant alleles.
Comment: ACAN: BS1